The following is an entry in ClinVar:

NM_000051.4(ATM):c.6229C>T (p.Leu2077Phe)

Genes: ATM (ATM serine/threonine kinase; plus strand), C11orf65 (chromosome 11 open reading frame 65; minus strand). Cytogenetic location: 11q22.3.
Variant type: single nucleotide variant.
Coding change: c.6229C>T on transcript NM_000051.4 (MANE Select); coding-DNA position 6229, C replaced by T.
Protein change: p.Leu2077Phe; replaces leucine 2077 with phenylalanine.
Molecular consequence: missense variant. On other transcripts: intron variant (2).
Genome position (GRCh38, 1-based): chr11:108,317,403, C>T. VCF-style: chr11-108317403-C-T. GRCh37 (hg19) VCF-style: chr11-108188130-C-T.
Other names: c.6229C>T, p.Leu2077Phe (NM_001351834.2); c.641-8332G>A (NM_001330368.2); c.*39-8332G>A (NM_001351110.2); short protein forms L2077F.
Identifiers: ClinVar variation 2201676 (VCV002201676.3), dbSNP rs1591789195, ClinGen allele CA382551166.

ClinVar aggregate classification (germline): Uncertain significance (1 of 4 stars; one submission).

Conditions:
Ataxia-telangiectasia syndrome (AT). Also called: ATAXIA-TELANGIECTASIA, COMPLEMENTATION GROUP A; ATAXIA-TELANGIECTASIA, FRESNO VARIANT; Ataxia-telangiectasia; Ataxia-telangiectasia, complementation group E; LOUIS-BAR SYNDROME; Cerebello-oculocutaneous telangiectasia. Identifiers: Orphanet 100, MedGen C0004135, MONDO:0008840, OMIM 208900.

Submission:

Labcorp Genetics (formerly Invitae), Labcorp
Classification: Uncertain significance for Ataxia-telangiectasia syndrome. Last evaluated: 2022-09-22. Review status: criteria provided, single submitter. Criteria: Invitae Variant Classification Sherloc (09022015). Collection method: clinical testing. Allele origin: germline.
Comment: In summary, the available evidence is currently insufficient to determine the role of this variant in disease. Therefore, it has been classified as a Variant of Uncertain Significance. Algorithms developed to predict the effect of missense changes on protein structure and function are either unavailable or do not agree on the potential impact of this missense change (SIFT: "Deleterious"; PolyPhen-2: "Possibly Damaging"; Align-GVGD: "Class C15"). This variant has not been reported in the literature in individuals affected with ATM-related conditions. This variant is not present in population databases (gnomAD no frequency). This sequence change replaces leucine, which is neutral and non-polar, with phenylalanine, which is neutral and non-polar, at codon 2077 of the ATM protein (p.Leu2077Phe).